The following is an entry in ClinVar:

NM_144670.6(A2ML1):c.2115G>A (p.Met705Ile)

Gene: A2ML1 (alpha-2-macroglobulin like 1; plus strand). Cytogenetic location: 12p13.31.
Variant type: single nucleotide variant.
Coding change: c.2115G>A on transcript NM_144670.6 (MANE Select); coding-DNA position 2115, G replaced by A.
Protein change: p.Met705Ile; replaces methionine 705 with isoleucine.
Molecular consequence: missense variant.
Genome position (GRCh38, 1-based): chr12:8,849,755, G>A. VCF-style: chr12-8849755-G-A. GRCh37 (hg19) VCF-style: chr12-9002351-G-A.
Other names: c.642G>A, p.Met214Ile (NM_001282424.3); short protein forms M214I, M705I.
Identifiers: ClinVar variation 4769540 (VCV004769540.1).
Genomic context (GRCh38, chr12:8,849,755, plus strand): 5'-TGCCAAAATCAAGAAGCCAGTAGATTGCAGTCACAGATCTCCAGAATACAGCACTGCTAT[G>A]GGTGGTAAGCCACCTCTGTGGTCTGTGGATTCTCTGAGATGTTAACAGTCCTGGAACTCT-3'
Protein context (NP_653271.3, residues 695-715): SHRSPEYSTA[Met705Ile]GAGGGHPEAF

ClinVar aggregate classification (germline): Uncertain significance (1 of 4 stars; one submission).

Submission:

Labcorp Genetics (formerly Invitae), Labcorp
Classification: Uncertain significance. Last evaluated: 2025-03-14. Review status: criteria provided, single submitter. Criteria: Invitae Variant Classification Sherloc (09022015). Collection method: clinical testing. Allele origin: germline.
Comment: This sequence change replaces methionine, which is neutral and non-polar, with isoleucine, which is neutral and non-polar, at codon 705 of the A2ML1 protein (p.Met705Ile). This variant is not present in population databases (gnomAD no frequency). This variant has not been reported in the literature in individuals affected with A2ML1-related conditions. An algorithm developed to predict the effect of missense changes on protein structure and function outputs the following: PolyPhen-2: "Benign". The isoleucine amino acid residue is found in multiple mammalian species, which suggests that this missense change does not adversely affect protein function. In summary, the available evidence is currently insufficient to determine the role of this variant in disease. Therefore, it has been classified as a Variant of Uncertain Significance.